The following is an entry in ClinVar:

ClinVar aggregate classification (germline): Uncertain significance (1 of 4 stars; one submission).

Conditions:
Ehlers-Danlos syndrome, type 4 (EDSVASC). Also called: Ehlers-Danlos syndrome vascular type; Ehlers Danlos syndrome, ecchymotic type; Ehlers Danlos syndrome, arterial type; Ehlers Danlos syndrome, Sack-Barabas type; Ehlers-Danlos Syndrome Type IV. Identifiers: Orphanet 286, MedGen C0268338, MONDO:0017314, OMIM 130050.

gnomAD v4.1: 1 of 1,614,160 alleles (0.000062%); highest among the groups gnomAD compares: Non-Finnish European, 0.000085%; no homozygotes.

Submission:

All of Us Research Program, National Institutes of Health
Classification: Uncertain significance for Ehlers-Danlos syndrome, type 4. Last evaluated: 2024-03-24. Review status: criteria provided, single submitter. Criteria: ACMG Guidelines, 2015. Collection method: clinical testing. Allele origin: germline. Inheritance: Autosomal dominant inheritance. Observed: 1 variant allele, 1 heterozygote.
Comment: This missense variant replaces isoleucine with threonine at codon 1208 of the COL3A1 protein. Computational prediction suggests that this variant may not impact protein structure and function (internally defined REVEL score threshold <= 0.5, PMID: 27666373). To our knowledge, functional studies have not been reported for this variant. This variant has not been reported in individuals affected with COL3A1-related disorders in the literature. This variant has not been identified in the general population by the Genome Aggregation Database (gnomAD). The available evidence is insufficient to determine the role of this variant in disease conclusively. Therefore, this variant is classified as a Variant of Uncertain Significance.

This study involves interpretation of variants in research participants for the purpose of population health screening. Participant phenotype was not available at the time of variant classification. Additional details can be found in publication PMID: 35346344, PMCID: PMC8962531

NM_000090.4(COL3A1):c.3623T>C (p.Ile1208Thr)

Gene: COL3A1 (collagen type III alpha 1 chain; plus strand). Cytogenetic location: 2q32.2.
Variant type: single nucleotide variant.
Coding change: c.3623T>C on transcript NM_000090.4 (MANE Select); coding-DNA position 3623, T replaced by C.
Protein change: p.Ile1208Thr; replaces isoleucine 1208 with threonine.
Molecular consequence: missense variant.
Genome position (GRCh38, 1-based): chr2:189,009,021, T>C. VCF-style: chr2-189009021-T-C. GRCh37 (hg19) VCF-style: chr2-189873747-T-C.
Other names: short protein forms I1208T.
Identifiers: ClinVar variation 3386490 (VCV003386490.1).